The following is an entry in ClinVar:

ClinVar aggregate classification (germline): Likely benign (1 of 4 stars; one submission).

gnomAD v4.1: 14 of 1,613,340 alleles (0.00087%); highest among the groups gnomAD compares: African/African-American, 0.004%; no homozygotes.

Submission:

CeGaT Center for Human Genetics Tuebingen
Classification: Likely benign. Last evaluated: 2026-08-01. Review status: criteria provided, single submitter. Criteria: CeGaT Center For Human Genetics Tuebingen Variant Classification Criteria Version 2. Collection method: clinical testing. Allele origin: germline. Affected: yes. Observed: 1 variant allele.
Comment: COL6A1: BP4, BP7

NM_001848.3(COL6A1):c.1230C>T (p.Gly410=)

Gene: COL6A1 (collagen type VI alpha 1 chain; plus strand). Cytogenetic location: 21q22.3.
Variant type: single nucleotide variant.
Coding change: c.1230C>T on transcript NM_001848.3 (MANE Select); coding-DNA position 1230, C replaced by T.
Protein change: p.Gly410=; no amino-acid change (glycine 410 retained).
Molecular consequence: synonymous variant.
Genome position (GRCh38, 1-based): chr21:45,992,211, C>T. VCF-style: chr21-45992211-C-T. GRCh37 (hg19) VCF-style: chr21-47412125-C-T.
Identifiers: ClinVar variation 5039402 (VCV005039402.1).